The following is an entry in ClinVar:

ClinVar aggregate classification (germline): Uncertain significance (1 of 4 stars; one submission).

Conditions:
Nemaline myopathy 2 (NEM2). Also called: Nemaline myopathy 2, autosomal recessive. Identifiers: MedGen C1850569, MONDO:0009725, OMIM 256030.

Submission:

Labcorp Genetics (formerly Invitae), Labcorp
Classification: Uncertain significance for Nemaline myopathy 2. Last evaluated: 2021-08-28. Review status: criteria provided, single submitter. Criteria: Invitae Variant Classification Sherloc (09022015). Collection method: clinical testing. Allele origin: germline.
Comment: This sequence change replaces proline with alanine at codon 5761 of the NEB protein (p.Pro5761Ala). The proline residue is moderately conserved and there is a small physicochemical difference between proline and alanine. This variant is not present in population databases (ExAC no frequency). This variant has not been reported in the literature in individuals affected with NEB-related conditions. Algorithms developed to predict the effect of missense changes on protein structure and function are either unavailable or do not agree on the potential impact of this missense change (SIFT: "Deleterious"; PolyPhen-2: "Not Available"; Align-GVGD: "Class C0"). In summary, the available evidence is currently insufficient to determine the role of this variant in disease. Therefore, it has been classified as a Variant of Uncertain Significance.

NM_001164508.2(NEB):c.17281C>G (p.Pro5761Ala)

Gene: NEB (nebulin; minus strand). Cytogenetic location: 2q23.3.
Variant type: single nucleotide variant.
Coding change: c.17281C>G on transcript NM_001164508.2 (MANE Select); coding-DNA position 17281, C replaced by G.
Protein change: p.Pro5761Ala; replaces proline 5761 with alanine.
Molecular consequence: missense variant.
Genome position (GRCh38, 1-based): chr2:151,570,230, G>C on the plus strand (C>G on the coding strand, the complement: NEB is on the minus strand). VCF-style: chr2-151570230-G-C. GRCh37 (hg19) VCF-style: chr2-152426744-G-C.
Other names: c.17281C>G, p.Pro5761Ala (NM_001164507.2, NM_001271208.2); c.12178C>G, p.Pro4060Ala (NM_004543.5); short protein forms P5761A, P4060A.
Identifiers: ClinVar variation 1464439 (VCV001464439.5), dbSNP rs2153753928, ClinGen allele CA348807960.